The following continues an entry in ClinVar:

NM_000059.4(BRCA2):c.1389_1390del (p.Val464fs)

Gene: BRCA2. ClinVar aggregate classification (germline): Pathogenic. Pathogenic (1).

Submissions 9 to 22 of 22:

All of Us Research Program, National Institutes of Health
Classification: Pathogenic for Breast-ovarian cancer, familial, susceptibility to, 2. Last evaluated: 2023-06-26. Review status: criteria provided, single submitter. Criteria: ACMG Guidelines, 2015. Collection method: clinical testing. Allele origin: germline. Inheritance: Autosomal dominant inheritance. Observed: 1 variant allele, 1 heterozygote. Not counted in ClinVar's aggregate classification.
Comment: This variant deletes 2 nucleotides in exon 10 of the BRCA2 gene, creating a frameshift and premature translation stop signal. This variant is expected to result in an absent or non-functional protein product. This variant has been reported in at least 5 individuals affected with breast or ovarian cancer, including 2 male individuals (PMID: 21190077, 22711857, 24549055, 30287823, 34490083) and has been identified in 27 families among the CIMBA participants (PMID: 29446198). In a large breast cancer case-control study conducted by the BRIDGES consortium, this variant was reported in 4/60466 cases and 2/53461 controls (OR=1.768 (95%CI 0.324 to 9.655); p-value=0.691) (PMID: 33471991; Leiden Open Variation Database DB-ID BRCA2_001848). This variant has not been identified in the general population by the Genome Aggregation Database (gnomAD). Loss of BRCA2 function is a known mechanism of disease. Based on the available evidence, this variant is classified as Pathogenic.

This study involves interpretation of variants in research participants for the purpose of population health screening. Participant phenotype was not available at the time of variant classification. Additional details can be found in publication PMID: 35346344, PMCID: PMC8962531

Quest Diagnostics Nichols Institute San Juan Capistrano
Classification: Pathogenic. Last evaluated: 2023-05-01. Review status: criteria provided, single submitter. Criteria: Quest Diagnostics criteria. Collection method: clinical testing. Allele origin: unknown. Not counted in ClinVar's aggregate classification.
Comment: The BRCA2 c.1389_1390del (p.Val464Glyfs*3) variant (also known as 1617delAG) alters the translational reading frame of the BRCA2 mRNA and causes the premature termination of BRCA2 protein synthesis. This variant has not been reported in large, multi-ethnic general populations. In the published literature, this variant has been reported in multiple individuals with breast/ovarian cancer (PMIDs: 34490083 (2021), 31159747 (2019), 31263054 (2019), 30287823 (2018), 30322717 (2018), 26681312 (2015), 18489799 (2008), 16683254 (2006), 10227398 (1999)). Based on the available information, this variant is classified as pathogenic.

Department of Pathology and Laboratory Medicine, Sinai Health System
Classification: Pathogenic for BRCA2-related cancer predisposition. Last evaluated: 2022-12-23. Review status: criteria provided, single submitter. Criteria: ACMG Guidelines, 2015. Collection method: clinical testing. Allele origin: germline. Affected: yes. Not counted in ClinVar's aggregate classification.

Revvity Omics, Revvity
Classification: Pathogenic. Last evaluated: 2022-09-01. Review status: criteria provided, single submitter. Criteria: ACMG Guidelines, 2015. Collection method: clinical testing. Allele origin: germline. Not counted in ClinVar's aggregate classification.

Dasa
Classification: Pathogenic for BRCA2-related disorder. Last evaluated: 2022-03-05. Review status: criteria provided, single submitter. Criteria: ACMG Guidelines, 2015. Collection method: clinical testing. Allele origin: germline. Affected: yes. Observed: 1 variant allele. Not counted in ClinVar's aggregate classification.
Comment: The c.1389_1390del;p.(Val464Glyfs*3) is a null frameshift variant (NMD) in the BRCA2 gene and predicts alteration of the nonsense-mediate decay - NMD is present in a relevant exon to the transcript - PVS1. This sequence change has been observed in affected individual(s) and ClinVar contains an entry for this variant (ClinVar ID: 51113; PMID: 10227398; PMID: 24549055; PMID: 16683254; PMID: 15024741; PMID: 26681312; PMID: 29446198). PS4. This variant is not present in population databases (rs80359283- gnomAD; ABraOM no frequency.) - PM2. In summary, the currently available evidence indicates that the variant is pathogenic.

Sema4
Classification: Pathogenic for Hereditary cancer-predisposing syndrome. Last evaluated: 2022-01-09. Review status: criteria provided, single submitter. Criteria: Sema4 Curation Guidelines. Collection method: curation. Allele origin: germline. Not counted in ClinVar's aggregate classification.
Comment: The BRCA2 c.1389_1390delAG (p.V464GfsX3) variant has been reported in several individuals with breast and/or ovarian cancer (PMID: 26681312, 31159747, 24549055, 18489799, 15024741, 34490083, 33471991). This variant causes a frameshift at amino acid 464 that results in premature termination 3 amino acids downstream. At this location, this variant is predicted to cause loss of normal protein function either through protein truncation or nonsense-mediated mRNA decay. Loss of function variants in BRCA2 are known to be pathogenic (PMID: 29446198). This variant is not reported in the population database Genome Aggregation Database (PMID: 32461654). This variant has been reported in ClinVar (Variation ID: 51113). Based on the current evidence available, this variant is interpreted as pathogenic.

Women's Health and Genetics/Laboratory Corporation of America, LabCorp
Classification: Pathogenic for Hereditary breast ovarian cancer syndrome. Last evaluated: 2021-07-01. Review status: criteria provided, single submitter. Criteria: LabCorp Variant Classification Summary - May 2015. Collection method: clinical testing. Allele origin: germline. Not counted in ClinVar's aggregate classification.
Comment: Variant summary: BRCA2 c.1389_1390delAG (p.Val464GlyfsX3) results in a premature termination codon, predicted to cause a truncation of the encoded protein or absence of the protein due to nonsense mediated decay, which are commonly known mechanisms for disease. Truncations downstream of this position have been classified as pathogenic by our laboratory. The variant was absent in 248414 control chromosomes (gnomAD). c.1389_1390delAG has been reported in the literature in multiple individuals affected with breast- and/or ovarian cancer (e.g. Goelen_1999, Foretova_2004, Claes_2004, Susswein_2015, Delgado_2011, Rebbeck_2018, Dorling_2021). These data indicate that the variant is very likely to be associated with disease. To our knowledge, no experimental evidence demonstrating an impact on protein function has been reported. Eight other submitters, including an expert panel (ENIGMA), have provided clinical-significance assessments for this variant in ClinVar after 2014, and all of them classified the variant as pathogenic. Based on the evidence outlined above, the variant was classified as pathogenic.

GeneKor MSA
Classification: Pathogenic for Hereditary Breast Carcinoma. Last evaluated: 2020-01-01. Review status: criteria provided, single submitter. Criteria: ACMG Guidelines, 2015. Collection method: clinical testing. Allele origin: germline. Affected: yes. Not counted in ClinVar's aggregate classification.
Comment: This sequence change deletes 2 nucleotide in exon 10 of the BRCA2 mRNA (c.1389_1390delAG), causing a frameshift after codon 464 and the creation of a premature translational stop signal 3 amino acid residues later (p.Val464Glyfs*3). This is expected to result in a truncated or disrupted protein product. Truncating variants in BRCA2 are known to be pathogenic. This particular truncation has been reported in the literature in families affected with breast and ovarian cancer (PMID: 10227398 ; Hum Mutat. 2004, 23:397-8; PMID: 16683254 ;PMID: 24549055). The mutation database ClinVar contains an entry for this variant (Variation ID: 51113).

GeneDx
Classification: Pathogenic. Last evaluated: 2018-06-14. Review status: criteria provided, single submitter. Criteria: GeneDx Variant Classification (06012015). Collection method: clinical testing. Allele origin: germline. Affected: yes. Not counted in ClinVar's aggregate classification.
Comment: This deletion of 2 nucleotides in BRCA2 is denoted c.1389_1390delAG at the cDNA level and p.Val464GlyfsX3 (V464GfsX3) at the protein level. The normal sequence, with the bases that are deleted in brackets, is AAAC[delAG]TGGT. The deletion causes a frameshift, which changes a Valine to a Glycine at codon 464, and creates a premature stop codon at position 3 of the new reading frame. This variant is predicted to cause loss of normal protein function through either protein truncation or nonsense-mediated mRNA decay. BRCA2 c.1389_1390delAG, also published as BRCA2 1617_1618delAG or BRCA2 1617delAG using alternate nomenclature, has been reported in association with Hereditary Breast and Ovarian cancer (Goelen 1999, Claes 2004, Machackova 2008). We consider this variant to be pathogenic.

Consortium of Investigators of Modifiers of BRCA1/2 (CIMBA), c/o University of Cambridge
Classification: Pathogenic for Breast-ovarian cancer, familial, susceptibility to, 2. Last evaluated: 2015-10-02. Review status: criteria provided, single submitter. Criteria: CIMBA Mutation Classification guidelines May 2016. Collection method: clinical testing. Allele origin: germline. Not counted in ClinVar's aggregate classification.

Biomedical Genomics and Oncogenetics Laboratory, Institut Pasteur de Tunis, University Tunis El Manar
Classification: Pathogenic for Breast-ovarian cancer, familial, susceptibility to, 2. Review status: criteria provided, single submitter. Criteria: ACMG Guidelines, 2015. Collection method: clinical testing. Allele origin: germline. Affected: yes. Observed: 1 variant allele. Not counted in ClinVar's aggregate classification.

Laboratory for Genotyping Development, RIKEN
Classification: Pathogenic for Gastric cancer. Last evaluated: 2021-07-01. Review status: no assertion criteria provided. Collection method: research. Allele origin: germline. Not counted in ClinVar's aggregate classification.

Sharing Clinical Reports Project (SCRP)
Classification: Pathogenic for Breast-ovarian cancer, familial 2. Last evaluated: 2012-05-01. Review status: no assertion criteria provided. Collection method: clinical testing. Allele origin: germline. Not counted in ClinVar's aggregate classification.

Breast Cancer Information Core (BIC) (BRCA2)
Classification: Pathogenic for Breast-ovarian cancer, familial 2. Last evaluated: 2004-02-20. Review status: no assertion criteria provided. Collection method: clinical testing. Allele origin: germline. Affected: yes. Observed: 7 variant alleles. Not counted in ClinVar's aggregate classification.

Literature cited by the submitters: PubMed 20104584 (cited by Labcorp Genetics (formerly Invitae), Labcorp); PubMed 10227398 (cited by 6 submitters); PubMed 15024741 (cited by 7 submitters); PubMed 16683254 (cited by 3 submitters); PubMed 24549055 (cited by 7 submitters); PubMed 26681312 (cited by 7 submitters); PubMed 18489799 (cited by 3 submitters); PubMed 29446198 (cited by 6 submitters); PubMed 30287823 (cited by 4 submitters); PubMed 21190077 (cited by 3 submitters); PubMed 22711857 (cited by Color Diagnostics, LLC DBA Color Health and All of Us Research Program, National Institutes of Health); PubMed 33471991 (cited by 4 submitters); PubMed 34490083 (cited by 4 submitters); PubMed 30322717 (cited by Quest Diagnostics Nichols Institute San Juan Capistrano); PubMed 31159747 (cited by Quest Diagnostics Nichols Institute San Juan Capistrano and Sema4); PubMed 31263054 (cited by Quest Diagnostics Nichols Institute San Juan Capistrano); PubMed 28184943 (cited by Quest Diagnostics Nichols Institute San Juan Capistrano); PubMed 15026808 (cited by Women's Health and Genetics/Laboratory Corporation of America, LabCorp); PubMed 26295337 (cited by Biomedical Genomics and Oncogenetics Laboratory, Institut Pasteur de Tunis, University Tunis El Manar); PubMed 36988593 (cited by Laboratory for Genotyping Development, RIKEN).